The following is an entry in ClinVar:

ClinVar aggregate classification (germline): Uncertain significance (1 of 4 stars; one submission).

Conditions:
Cardiomyopathy (CMYO). Also called: Cardiomyopathies. Identifiers: Orphanet 167848, MedGen C0878544, MONDO:0004994, HP:0001638. Inheritance: Various modes of inheritance.

Submission:

Color Diagnostics, LLC DBA Color Health
Classification: Uncertain significance for Cardiomyopathy. Last evaluated: 2020-11-02. Review status: criteria provided, single submitter. Criteria: ACMG Guidelines, 2015. Collection method: clinical testing. Allele origin: germline.
Comment: This variant deletes 1 nucleotide in exon 2 of the MYL2 gene, creating a frameshift and premature translation stop signal. This variant is expected to result in an absent or non-functional protein product. To our knowledge, this variant has not been reported in individuals affected with cardiovascular disorders in the literature. This variant has not been identified in the general population by the Genome Aggregation Database (gnomAD). Clinical relevance of loss-of-function truncation and splice variants in the MYL2 gene is not clearly established. The available evidence is insufficient to determine the role of this variant in disease conclusively. Therefore, this variant is classified as a Variant of Uncertain Significance.

NM_000432.4(MYL2):c.49del (p.Val17fs)

Genes: MYL2 (myosin light chain 2; minus strand), LOC114827850 (VISTA enhancer hs2149; plus strand). Cytogenetic location: 12q24.11.
Variant type: Deletion.
Coding change: c.49del on transcript NM_000432.4 (MANE Select); coding-DNA position 49, one base deleted (G; older notation c.49delG).
Protein change: p.Val17fs; shifts the reading frame from valine 17.
Molecular consequence: frameshift variant.
Genome position (GRCh38, 1-based): chr12:110,919,148, C deleted on the plus strand (G on the coding strand, the reverse complement: MYL2 is on the minus strand). VCF-style (leftmost placement, unchanged base first): chr12-110919147-AC-A. GRCh37 (hg19) VCF-style: chr12-111356951-AC-A.
Other names: short protein forms V17fs.
Identifiers: ClinVar variation 1170982 (VCV001170982.2), dbSNP rs2136777366, ClinGen allele CA2499221449.